The following is an entry in ClinVar:

ClinVar aggregate classification (germline): Uncertain significance (1 of 4 stars; one submission).

Submission:

GeneDx
Classification: Uncertain significance. Last evaluated: 2023-06-06. Review status: criteria provided, single submitter. Criteria: GeneDx Variant Classification Process June 2021. Collection method: clinical testing. Allele origin: germline. Affected: yes.
Comment: Not observed at significant frequency in large population cohorts (gnomAD); In silico analysis supports that this missense variant has a deleterious effect on protein structure/function; Has not been previously published as pathogenic or benign to our knowledge

NM_001330288.2(SMARCC2):c.1646C>T (p.Pro549Leu)

Gene: SMARCC2 (SWI/SNF related BAF chromatin remodeling complex subunit C2; minus strand). Cytogenetic location: 12q13.2.
Variant type: single nucleotide variant.
Coding change: c.1646C>T on transcript NM_001330288.2 (MANE Select); coding-DNA position 1646, C replaced by T.
Protein change: p.Pro549Leu; replaces proline 549 with leucine.
Molecular consequence: missense variant.
Genome position (GRCh38, 1-based): chr12:56,173,700, G>A on the plus strand (C>T on the coding strand, the complement: SMARCC2 is on the minus strand). VCF-style: chr12-56173700-G-A. GRCh37 (hg19) VCF-style: chr12-56567484-G-A.
Other names: c.1646C>T, p.Pro549Leu (NM_001130420.3, NM_003075.5, NM_139067.4); short protein forms P549L.
Identifiers: ClinVar variation 3359450 (VCV003359450.1).